The following is an entry in ClinVar:

NM_000535.7(PMS2):c.642G>A (p.Val214=)

Gene: PMS2 (PMS1 homolog 2, mismatch repair system component; minus strand). Cytogenetic location: 7p22.1.
Variant type: single nucleotide variant.
Coding change: c.642G>A on transcript NM_000535.7 (MANE Select); coding-DNA position 642, G replaced by A.
Protein change: p.Val214=; no amino-acid change (valine 214 retained).
Molecular consequence: synonymous variant. On other transcripts: 5 prime UTR variant (2), non-coding transcript variant (1), intron variant (1).
Genome position (GRCh38, 1-based): chr7:5,999,171, C>T on the plus strand (G>A on the coding strand, the complement: PMS2 is on the minus strand). VCF-style: chr7-5999171-C-T. GRCh37 (hg19) VCF-style: chr7-6038802-C-T.
Other names: c.237G>A, p.Val79= (NM_001322003.2, NM_001322004.2, NM_001322005.2 and 2 more transcripts); c.642G>A, p.Val214= (NM_001322006.2, NM_001322014.2); c.324G>A, p.Val108= (NM_001322007.2, NM_001322008.2); c.-292G>A (NM_001322011.2, NM_001322012.2); c.333G>A, p.Val111= (NM_001322015.2); c.133-1748G>A (NM_001322013.2).
Identifiers: ClinVar variation 1082333 (VCV001082333.12), dbSNP rs2128800346, ClinGen allele CA453646898.

ClinVar aggregate classification (germline): Benign/Likely benign. Review status: criteria provided, multiple submitters, no conflicts (2 of 4 stars). 4 submissions from 4 submitters: Benign (1); Likely benign (3). Last evaluated 2025-12-08.

Conditions:
Hereditary nonpolyposis colorectal neoplasms. Identifiers: MedGen C0009405, MeSH D003123.
Lynch syndrome 4 (LYNCH4). Also called: Colorectal cancer, hereditary nonpolyposis, type 4; Hereditary non-polyposis colorectal cancer, type 4. Identifiers: Orphanet 144, MedGen C1838333, MONDO:0013699, OMIM 614337. Disease mechanism: loss of function.
Hereditary cancer-predisposing syndrome. Also called: Hereditary Cancer Syndrome; Hereditary neoplastic syndrome; Tumor predisposition; Neoplastic Syndromes, Hereditary. Identifiers: Orphanet 140162, MedGen C0027672, MeSH D009386, MONDO:0015356.

Submissions (4):

Labcorp Genetics (formerly Invitae), Labcorp
Classification: Likely benign for Hereditary nonpolyposis colorectal neoplasms. Last evaluated: 2025-12-08. Review status: criteria provided, single submitter. Criteria: Invitae Variant Classification Sherloc (09022015). Collection method: clinical testing. Allele origin: germline.

Myriad Genetics, Inc.
Classification: Benign for Lynch syndrome 4. Last evaluated: 2025-01-27. Review status: criteria provided, single submitter. Criteria: Myriad Autosomal Dominant, Autosomal Recessive and X-Linked Classification Criteria (2023). Collection method: clinical testing. Allele origin: unknown.
Comment: This variant is considered benign. This variant is a silent/synonymous amino acid change and it is not expected to impact splicing.

Ambry Genetics
Classification: Likely benign for Hereditary cancer-predisposing syndrome. Last evaluated: 2023-09-12. Review status: criteria provided, single submitter. Criteria: Ambry Variant Classification Scheme 2023. Collection method: clinical testing. Allele origin: germline.

Sema4
Classification: Likely benign for Hereditary cancer-predisposing syndrome. Last evaluated: 2021-12-14. Review status: criteria provided, single submitter. Criteria: Sema4 Curation Guidelines. Collection method: curation. Allele origin: germline.